The following is an entry in ClinVar:

ClinVar aggregate classification (germline): Uncertain significance (1 of 4 stars; one submission).

Submission:

GeneDx
Classification: Uncertain significance. Last evaluated: 2025-04-15. Review status: criteria provided, single submitter. Criteria: GeneDx Variant Classification Process June 2021. Collection method: clinical testing. Allele origin: germline. Affected: yes.
Comment: Not observed at significant frequency in large population cohorts (gnomAD); In silico analysis indicates that this missense variant does not alter protein structure/function; Has not been previously published as pathogenic or benign to our knowledge

NM_016955.4(SEPSECS):c.718G>C (p.Val240Leu)

Gene: SEPSECS (Sep (O-phosphoserine) tRNA:Sec (selenocysteine) tRNA synthase; minus strand). Cytogenetic location: 4p15.2.
Variant type: single nucleotide variant.
Coding change: c.718G>C on transcript NM_016955.4 (MANE Select); coding-DNA position 718, G replaced by C.
Protein change: p.Val240Leu; replaces valine 240 with leucine.
Molecular consequence: missense variant.
Genome position (GRCh38, 1-based): chr4:25,152,046, C>G on the plus strand (G>C on the coding strand, the complement: SEPSECS is on the minus strand). VCF-style: chr4-25152046-C-G. GRCh37 (hg19) VCF-style: chr4-25153668-C-G.
Other names: c.973G>C, p.Val325Leu (NM_001410714.1); short protein forms V325L, V240L.
Identifiers: ClinVar variation 4282059 (VCV004282059.1).